The following is an entry in ClinVar:

NM_016562.4(TLR7):c.2350C>T (p.Arg784Trp)

Gene: TLR7 (toll like receptor 7; plus strand). Cytogenetic location: Xp22.2.
Variant type: single nucleotide variant.
Coding change: c.2350C>T on transcript NM_016562.4 (MANE Select); coding-DNA position 2350, C replaced by T.
Protein change: p.Arg784Trp; replaces arginine 784 with tryptophan.
Molecular consequence: missense variant.
Genome position (GRCh38, 1-based): chrX:12,887,858, C>T. VCF-style: chrX-12887858-C-T. GRCh37 (hg19) VCF-style: chrX-12905977-C-T.
Other names: short protein forms R784W.
Identifiers: ClinVar variation 2186744 (VCV002186744.4), dbSNP rs199643469, ClinGen allele CA10350076.

ClinVar aggregate classification (germline): Uncertain significance (1 of 4 stars; one submission).

Allele frequency attached by ClinVar (database versions not stated): gnomAD exomes 0.00001; ExAC 0.00002; TOPMed 0.00003; gnomAD 0.00004; ESP Exome Variant Server 0.00009.
gnomAD v4.1: 16 of 1,209,921 alleles (0.0013%); highest among the groups gnomAD compares: Admixed American, 0.0065%; no homozygotes.

Submission:

Labcorp Genetics (formerly Invitae), Labcorp
Classification: Uncertain significance. Last evaluated: 2026-01-27. Review status: criteria provided, single submitter. Criteria: Invitae Variant Classification Sherloc (09022015). Collection method: clinical testing. Allele origin: germline.
Comment: This sequence change replaces arginine, which is basic and polar, with tryptophan, which is neutral and slightly polar, at codon 784 of the TLR7 protein (p.Arg784Trp). This variant is present in population databases (rs199643469, gnomAD 0.004%). This variant has not been reported in the literature in individuals affected with TLR7-related conditions. ClinVar contains an entry for this variant (Variation ID: 2186744). An algorithm developed to predict the effect of missense changes on protein structure and function (PolyPhen-2) suggests that this variant is likely to be disruptive. In summary, the available evidence is currently insufficient to determine the role of this variant in disease. Therefore, it has been classified as a Variant of Uncertain Significance.